The following is an entry in ClinVar:

NM_000532.5(PCCB):c.-12G>A

Gene: PCCB (propionyl-CoA carboxylase subunit beta; plus strand). Cytogenetic location: 3q22.3.
Variant type: single nucleotide variant.
Coding change: c.-12G>A on transcript NM_000532.5 (MANE Select); 12 bases upstream of the start codon, G replaced by A.
Molecular consequence: 5 prime UTR variant.
Genome position (GRCh38, 1-based): chr3:136,250,364, G>A. VCF-style: chr3-136250364-G-A. GRCh37 (hg19) VCF-style: chr3-135969206-G-A.
Other names: c.-12G>A (NM_001178014.2).
Identifiers: ClinVar variation 507158 (VCV000507158.1), dbSNP rs1553773141, ClinGen allele CA658796382.

ClinVar aggregate classification (germline): Likely benign (1 of 4 stars; one submission).

Allele frequency attached by ClinVar (database versions not stated): gnomAD exomes below 0.00001; TOPMed 0.00001.
gnomAD v4.1: 2 of 1,512,224 alleles (0.00013%); highest among the groups gnomAD compares: Admixed American, 0.0021%; no homozygotes.

Submission:

GeneDx
Classification: Likely benign. Last evaluated: 2017-02-07. Review status: criteria provided, single submitter. Criteria: GeneDx Variant Classification (06012015). Collection method: clinical testing. Allele origin: germline. Affected: yes.
Comment: This variant is considered likely benign or benign based on one or more of the following criteria: it is a conservative change, it occurs at a poorly conserved position in the protein, it is predicted to be benign by multiple in silico algorithms, and/or has population frequency not consistent with disease.